The following is an entry in ClinVar:

ClinVar aggregate classification (germline): Uncertain significance (1 of 4 stars; one submission).

Allele frequency attached by ClinVar (database versions not stated): gnomAD exomes below 0.00001; TOPMed 0.00001.
gnomAD v4.1: 2 of 1,613,884 alleles (0.00012%); highest among the groups gnomAD compares: Admixed American, 0.0033%; no homozygotes.

Submission:

GeneDx
Classification: Uncertain significance. Last evaluated: 2023-07-24. Review status: criteria provided, single submitter. Criteria: GeneDx Variant Classification Process June 2021. Collection method: clinical testing. Allele origin: germline. Affected: yes.
Comment: Not observed at significant frequency in large population cohorts (gnomAD); Missense variants in this gene are often considered pathogenic (HGMD); In silico analysis supports that this missense variant does not alter protein structure/function; Has not been previously published as pathogenic or benign to our knowledge; This substitution is predicted to be in the cytoplasmic loop between the first and second homologous domains

NM_001040142.2(SCN2A):c.1397C>T (p.Ala466Val)

Gene: SCN2A (sodium voltage-gated channel alpha subunit 2; plus strand). Cytogenetic location: 2q24.3.
Variant type: single nucleotide variant.
Coding change: c.1397C>T on transcript NM_001040142.2 (MANE Select); coding-DNA position 1397, C replaced by T.
Protein change: p.Ala466Val; replaces alanine 466 with valine.
Molecular consequence: missense variant.
Genome position (GRCh38, 1-based): chr2:165,315,484, C>T. VCF-style: chr2-165315484-C-T. GRCh37 (hg19) VCF-style: chr2-166171994-C-T.
Other names: p.A466V:GCC>GTC; c.1397C>T, p.Ala466Val (NM_001040143.2, NM_001371246.1, NM_001371247.1 and 1 more transcripts); short protein forms A466V.
Identifiers: ClinVar variation 207058 (VCV000207058.3), dbSNP rs796053185, ClinGen allele CA318126.